The following is an entry in ClinVar:

NM_001379659.1(ZNF142):c.2220G>A (p.Pro740=)

Gene: ZNF142 (zinc finger protein 142; minus strand). Cytogenetic location: 2q35.
Variant type: single nucleotide variant.
Coding change: c.2220G>A on transcript NM_001379659.1 (MANE Select); coding-DNA position 2220, G replaced by A.
Protein change: p.Pro740=; no amino-acid change (proline 740 retained).
Molecular consequence: synonymous variant.
Genome position (GRCh38, 1-based): chr2:218,644,896, C>T on the plus strand (G>A on the coding strand, the complement: ZNF142 is on the minus strand). VCF-style: chr2-218644896-C-T. GRCh37 (hg19) VCF-style: chr2-219509619-C-T.
Other names: c.1620G>A, p.Pro540= (NM_001105537.5, NM_001366291.3, NM_001379662.1); c.1131G>A, p.Pro377= (NM_001366287.3, NM_001366288.3, NM_001366289.3); c.2220G>A, p.Pro740= (NM_001366290.3, NM_001379660.1, NM_001379661.1).
Identifiers: ClinVar variation 3025205 (VCV003025205.22), dbSNP rs779404114, ClinGen allele CA2109194.

ClinVar aggregate classification (germline): Likely benign (1 of 4 stars; one submission).

Allele frequency attached by ClinVar (database versions not stated): TOPMed 0.00009; ExAC 0.00010; gnomAD 0.00005; gnomAD exomes 0.00005.
gnomAD v4.1: 82 of 1,613,994 alleles (0.0051%); highest among the groups gnomAD compares: South Asian, 0.021%; no homozygotes.

Submission:

CeGaT Center for Human Genetics Tuebingen
Classification: Likely benign. Last evaluated: 2024-05-01. Review status: criteria provided, single submitter. Criteria: CeGaT Center For Human Genetics Tuebingen Variant Classification Criteria Version 2. Collection method: clinical testing. Allele origin: germline. Affected: yes. Observed: 2 variant alleles.
Comment: ZNF142: BP4, BP7